The following is an entry in ClinVar:

NM_000352.6(ABCC8):c.4148G>A (p.Gly1383Glu)

Gene: ABCC8 (ATP binding cassette subfamily C member 8; minus strand). Cytogenetic location: 11p15.1.
Variant type: single nucleotide variant.
Coding change: c.4148G>A on transcript NM_000352.6 (MANE Select); coding-DNA position 4148, G replaced by A.
Protein change: p.Gly1383Glu; replaces glycine 1383 with glutamic acid.
Molecular consequence: missense variant. On other transcripts: non-coding transcript variant (1).
Genome position (GRCh38, 1-based): chr11:17,395,902, C>T on the plus strand (G>A on the coding strand, the complement: ABCC8 is on the minus strand). VCF-style: chr11-17395902-C-T. GRCh37 (hg19) VCF-style: chr11-17417449-C-T.
Other names: c.4151G>A, p.Gly1384Glu (NM_001287174.3); c.4214G>A, p.Gly1405Glu (NM_001351295.2); c.4148G>A, p.Gly1383Glu (NM_001351296.2); c.4145G>A, p.Gly1382Glu (NM_001351297.2); short protein forms G1382E, G1384E, G1405E, G1383E.
Identifiers: ClinVar variation 2137010 (VCV002137010.4), dbSNP rs2496452844, ClinGen allele CA379788256.
Genomic context (GRCh38, chr11:17,395,902, plus strand): 5'-TACAACTCACCTTCGAACGTGTCCACCATGCGGAAGAAGGCAAGAGAGAAGGAGGACTTC[C>T]CACTGCCGGTGCGGCCGCAGATCCCGATCTGGAAAGAGAGAAGCAGGCACCGCCACTGGG-3'
Protein context (NP_000343.2, residues 1373-1393): KIGICGRTGS[Gly1383Glu]KSSFSLAFFR

ClinVar aggregate classification (germline): Pathogenic (1 of 4 stars; one submission).

Submission:

Labcorp Genetics (formerly Invitae), Labcorp
Classification: Pathogenic. Last evaluated: 2022-07-19. Review status: criteria provided, single submitter. Criteria: Invitae Variant Classification Sherloc (09022015). Collection method: clinical testing. Allele origin: germline.
Comment: For these reasons, this variant has been classified as Pathogenic. Advanced modeling of protein sequence and biophysical properties (such as structural, functional, and spatial information, amino acid conservation, physicochemical variation, residue mobility, and thermodynamic stability) performed at Invitae indicates that this missense variant is expected to disrupt ABCC8 protein function. This missense change has been observed in individual(s) with hyperinsulinism (PMID: 21536946). In at least one individual the variant was observed to be de novo. This variant is not present in population databases (gnomAD no frequency). This sequence change replaces glycine, which is neutral and non-polar, with glutamic acid, which is acidic and polar, at codon 1383 of the ABCC8 protein (p.Gly1383Glu).

Literature cited by the submitters: PubMed 21536946.